The following is an entry in ClinVar:

ClinVar aggregate classification (germline): Likely benign (0 of 4 stars; one submission).

Conditions:
ITGB4-related disorder. Also called: ITGB4-related condition.

Submission:

PreventionGenetics, part of Exact Sciences
Classification: Likely benign for ITGB4-related condition. Last evaluated: 2020-12-23. Review status: no assertion criteria provided. Collection method: clinical testing. Allele origin: germline.
Comment: This variant is classified as likely benign based on ACMG/AMP sequence variant interpretation guidelines (Richards et al. 2015 PMID: 25741868, with internal and published modifications).

NM_000213.5(ITGB4):c.3330G>A (p.Arg1110=)

Gene: ITGB4 (integrin subunit beta 4; plus strand). Cytogenetic location: 17q25.1.
Variant type: single nucleotide variant.
Coding change: c.3330G>A on transcript NM_000213.5 (MANE Select); coding-DNA position 3330, G replaced by A.
Protein change: p.Arg1110=; no amino-acid change (arginine 1110 retained).
Molecular consequence: synonymous variant.
Genome position (GRCh38, 1-based): chr17:75,750,124, G>A. VCF-style: chr17-75750124-G-A. GRCh37 (hg19) VCF-style: chr17-73746205-G-A.
Other names: c.3330G>A, p.Arg1110= (NM_001005619.2, NM_001005731.3, NM_001321123.2).
Identifiers: ClinVar variation 3031048 (VCV003031048.2), dbSNP rs2545834846, ClinGen allele CA501840765.
Genomic context (GRCh38, chr17:75,750,124, plus strand): 5'-GTGAAGGGGGATCTGAGTGGTTGCCCGGCCCCAACCTGACCCGTTAGATGAACTGGACCG[G>A]AGCTTCACGAGTCAGATGTTGTCATCACAGCCACCCCCTCACGGCGACCTGGGCGCCCCG-3'
Protein context (NP_000204.3, residues 1100-1120): IIIRDPDELD[Arg1110=]SFTSQMLSSQ